The following is an entry in ClinVar:

NM_001283009.2(RTEL1):c.1767T>G (p.Phe589Leu)

Genes: RTEL1-TNFRSF6B (RTEL1-TNFRSF6B readthrough (NMD candidate); plus strand), RTEL1 (regulator of telomere elongation helicase 1; plus strand). Cytogenetic location: 20q13.33.
Variant type: single nucleotide variant.
Coding change: c.1767T>G on transcript NM_001283009.2 (MANE Select); coding-DNA position 1767, T replaced by G.
Protein change: p.Phe589Leu; replaces phenylalanine 589 with leucine.
Molecular consequence: missense variant. On other transcripts: non-coding transcript variant (1).
Genome position (GRCh38, 1-based): chr20:63,688,572, T>G. VCF-style: chr20-63688572-T-G. GRCh37 (hg19) VCF-style: chr20-62319925-T-G.
Other names: c.1098T>G, p.Phe366Leu (NM_001283010.1); c.1767T>G, p.Phe589Leu (NM_016434.4); c.1839T>G, p.Phe613Leu (NM_032957.5); short protein forms F366L, F613L, F589L.
Identifiers: ClinVar variation 4788449 (VCV004788449.1).
Genomic context (GRCh38, chr20:63,688,572, plus strand): 5'-CCTCTTCCTCCCACAGGCCCGCGACTTGGCCAGGAAGATGGAGGCGCTGAAGCCGCTGTT[T>G]GTGGAGCCCAGGAGCAAAGGCAGCTTCTCCGAGGTCGGCACTTGGCCGGGGCTCTGGGCC-3'
Protein context (NP_001269938.1, residues 579-599): ARKMEALKPL[Phe589Leu]VEPRSKGSFS

ClinVar aggregate classification (germline): Uncertain significance (1 of 4 stars; one submission).

Conditions:
Dyskeratosis congenita, autosomal recessive 5 (DKCB5). Identifiers: MedGen C3554656, MONDO:0014076, OMIM 615190.
Pulmonary fibrosis and/or bone marrow failure, Telomere-related, 3. Also called: PULMONARY FIBROSIS AND/OR BONE MARROW FAILURE SYNDROME, TELOMERE-RELATED, 3. Identifiers: Orphanet 2032, MedGen C4225346, MONDO:0014613, OMIM 616373.

gnomAD v4.1: 2 of 1,610,508 alleles (0.00012%); highest among the groups gnomAD compares: Non-Finnish European, 0.00017%; no homozygotes.

Submission:

Labcorp Genetics (formerly Invitae), Labcorp
Classification: Uncertain significance for Dyskeratosis congenita, autosomal recessive 5; Pulmonary fibrosis and/or bone marrow failure, Telomere-related, 3. Last evaluated: 2025-07-22. Review status: criteria provided, single submitter. Criteria: Invitae Variant Classification Sherloc (09022015). Collection method: clinical testing. Allele origin: germline.
Comment: This sequence change replaces phenylalanine, which is neutral and non-polar, with leucine, which is neutral and non-polar, at codon 589 of the RTEL1 protein (p.Phe589Leu). This variant is not present in population databases (gnomAD no frequency). This variant has not been reported in the literature in individuals affected with RTEL1-related conditions. An algorithm developed to predict the effect of missense changes on protein structure and function (PolyPhen-2) suggests that this variant is likely to be disruptive. In summary, the available evidence is currently insufficient to determine the role of this variant in disease. Therefore, it has been classified as a Variant of Uncertain Significance.